The following is an entry in ClinVar:

NM_006790.3(MYOT):c.113C>A (p.Ser38Tyr)

Genes: MYOT (myotilin; plus strand), PKD2L2-DT (PKD2L2 divergent transcript; minus strand). Cytogenetic location: 5q31.2.
Variant type: single nucleotide variant.
Coding change: c.113C>A on transcript NM_006790.3 (MANE Select); coding-DNA position 113, C replaced by A.
Protein change: p.Ser38Tyr; replaces serine 38 with tyrosine.
Molecular consequence: missense variant. On other transcripts: intron variant (2).
Genome position (GRCh38, 1-based): chr5:137,870,764, C>A. VCF-style: chr5-137870764-C-A. GRCh37 (hg19) VCF-style: chr5-137206453-C-A.
Other names: c.-120-113C>A (NM_001300911.2); c.-197+239C>A (NM_001135940.2); short protein forms S38Y.
Identifiers: ClinVar variation 3712836 (VCV003712836.2).

ClinVar aggregate classification (germline): Uncertain significance (1 of 4 stars; one submission).

Conditions:
Myofibrillar myopathy 3 (MFM3). Also called: Autosomal dominant spheroid body myopathy; Muscular dystrophy, proximal, type 1A. Identifiers: Orphanet 266, Orphanet 268129, MedGen C3714934, MONDO:0012215, OMIM 609200.

gnomAD v4.1: 7 of 1,614,098 alleles (0.00043%); highest among the groups gnomAD compares: Admixed American, 0.012%; no homozygotes.

Submission:

Labcorp Genetics (formerly Invitae), Labcorp
Classification: Uncertain significance for Myofibrillar myopathy 3. Last evaluated: 2024-08-09. Review status: criteria provided, single submitter. Criteria: Invitae Variant Classification Sherloc (09022015). Collection method: clinical testing. Allele origin: germline.
Comment: This sequence change replaces serine, which is neutral and polar, with tyrosine, which is neutral and polar, at codon 38 of the MYOT protein (p.Ser38Tyr). This variant is present in population databases (no rsID available, gnomAD 0.003%). This variant has not been reported in the literature in individuals affected with MYOT-related conditions. An algorithm developed to predict the effect of missense changes on protein structure and function (PolyPhen-2) suggests that this variant is likely to be disruptive. In summary, the available evidence is currently insufficient to determine the role of this variant in disease. Therefore, it has been classified as a Variant of Uncertain Significance.